The following is an entry in ClinVar:

ClinVar aggregate classification (germline): Uncertain significance (1 of 4 stars; one submission).

Conditions:
Hereditary cancer-predisposing syndrome. Also called: Neoplastic Syndromes, Hereditary; Tumor predisposition; Hereditary Cancer Syndrome; Hereditary neoplastic syndrome. Identifiers: Orphanet 140162, MedGen C0027672, MeSH D009386, MONDO:0015356.

Submission:

Ambry Genetics
Classification: Uncertain significance for Hereditary cancer-predisposing syndrome. Last evaluated: 2024-07-03. Review status: criteria provided, single submitter. Criteria: Ambry Variant Classification Scheme 2023. Collection method: clinical testing. Allele origin: germline.
Comment: The c.1408+1324G>A intronic variant results from a G to A substitution 1324 nucleotides after coding exon 10 in the APC gene. This nucleotide position is highly conserved in available vertebrate species. In silico splice site analysis predicts that this alteration may result in the creation or strengthening of a novel splice donor site and may result in the creation or strengthening of a novel splice acceptor site. RNA studies have demonstrated that this alteration results in a transcript predicted to lead to a protein with an in-frame insertion of 18 amino acids; however, the exact functional impact of the inserted amino acids is unknown at this time (Ambry internal data). Based on the available evidence, the clinical significance of this variant remains unclear.

NM_000038.6(APC):c.1408+1324G>A

Gene: APC (APC regulator of Wnt signaling pathway; plus strand). Cytogenetic location: 5q22.2.
Variant type: single nucleotide variant.
Coding change: c.1408+1324G>A on transcript NM_000038.6 (MANE Select); 1324 bases into the intron after coding-DNA position 1408, G replaced by A.
Molecular consequence: intron variant. On other transcripts: missense variant (12).
Genome position (GRCh38, 1-based): chr5:112,823,315, G>A. VCF-style: chr5-112823315-G-A. GRCh37 (hg19) VCF-style: chr5-112159012-G-A.
Other names: c.1417G>A, p.Ala473Thr (NM_001354896.2, NM_001407447.1, NM_001407448.1 and 1 more transcripts); c.1240G>A, p.Ala414Thr (NM_001354900.2); c.1447G>A, p.Ala483Thr (NM_001407446.1); c.1342G>A, p.Ala448Thr (NM_001407451.1); c.1333G>A, p.Ala445Thr (NM_001407452.1); c.1114G>A, p.Ala372Thr (NM_001407454.1, NM_001407455.1, NM_001407456.1 and 1 more transcripts); c.559+1324G>A (NM_001407470.1, NM_001354906.2); c.256+1324G>A (NM_001407472.1, NM_001407471.1); and 11 more; short protein forms A414T, A372T, A448T, A473T, A445T, A483T.
Identifiers: ClinVar variation 3409293 (VCV003409293.1).